The following is an entry in ClinVar:

ClinVar aggregate classification (germline): Likely benign. Review status: criteria provided, single submitter (1 of 4 stars). 2 submissions from 2 submitters: Likely benign (1). 1 of the submissions does not count toward it. Last evaluated 2025-08-29.

Conditions:
GNAS-related disorder. Identifiers: MedGen CN380105.

Allele frequency attached by ClinVar (database versions not stated): gnomAD exomes 0.00001 and 0.00003; ExAC 0.00007; gnomAD 0.00009 and 0.00011; TOPMed 0.00014; 1000 Genomes Project 30x 0.00016; ESP Exome Variant Server 0.00031.
gnomAD v4.1: 40 of 1,608,706 alleles (0.0025%); highest among the groups gnomAD compares: African/African-American, 0.04%; no homozygotes.

Submissions (2):

Labcorp Genetics (formerly Invitae), Labcorp
Classification: Likely benign. Last evaluated: 2025-08-29. Review status: criteria provided, single submitter. Criteria: Invitae Variant Classification Sherloc (09022015). Collection method: clinical testing. Allele origin: germline.

PreventionGenetics, part of Exact Sciences
Classification: Likely benign for GNAS-related condition. Last evaluated: 2019-09-19. Review status: no assertion criteria provided. Collection method: clinical testing. Allele origin: germline. Not counted in ClinVar's aggregate classification.
Comment: This variant is classified as likely benign based on ACMG/AMP sequence variant interpretation guidelines (Richards et al. 2015 PMID: 25741868, with internal and published modifications).

NM_000516.7(GNAS):c.1036C>T (p.Leu346=)

Gene: GNAS (GNAS complex locus; plus strand). Cytogenetic location: 20q13.32.
Variant type: single nucleotide variant.
Coding change: c.1036C>T on transcript NM_000516.7 (MANE Select); coding-DNA position 1036, C replaced by T.
Protein change: p.Leu346=; no amino-acid change (leucine 346 retained).
Molecular consequence: synonymous variant. On other transcripts: 3 prime UTR variant (2).
Genome position (GRCh38, 1-based): chr20:58,910,399, C>T. VCF-style: chr20-58910399-C-T. GRCh37 (hg19) VCF-style: chr20-57485454-C-T.
Other names: c.1039C>T, p.Leu347= (NM_001077488.5); c.991C>T, p.Leu331= (NM_001077489.4); c.*897C>T (NM_001077490.3); c.859C>T, p.Leu287= (NM_001309840.2, NM_001309861.2); c.*942C>T (NM_016592.5); c.2965C>T, p.Leu989= (NM_080425.4); c.994C>T, p.Leu332= (NM_080426.4).
Identifiers: ClinVar variation 756203 (VCV000756203.10), dbSNP rs139339659, ClinGen allele CA9927293.